The following is an entry in ClinVar:

ClinVar aggregate classification (germline): Uncertain significance. Review status: criteria provided, multiple submitters, no conflicts (2 of 4 stars). 3 submissions from 3 submitters: Uncertain significance (3). Last evaluated 2024-10-31.

Conditions:
Inborn genetic diseases. Identifiers: MedGen C0950123, MeSH D030342.

Allele frequency attached by ClinVar (database versions not stated): ExAC 0.00023; ESP Exome Variant Server 0.00031.
gnomAD v4.1: 254 of 1,614,190 alleles (0.016%); highest among the groups gnomAD compares: Admixed American, 0.025%; no homozygotes.

Submissions (3):

Blueprint Genetics
Classification: Uncertain significance. Last evaluated: 2024-10-31. Review status: criteria provided, single submitter. Criteria: ACMG Guidelines, 2015. Collection method: clinical testing. Allele origin: germline.

Ambry Genetics
Classification: Uncertain significance for Inborn genetic diseases. Last evaluated: 2024-09-02. Review status: criteria provided, single submitter. Criteria: Ambry Variant Classification Scheme 2023. Collection method: clinical testing. Allele origin: germline.

Labcorp Genetics (formerly Invitae), Labcorp
Classification: Uncertain significance. Last evaluated: 2022-08-16. Review status: criteria provided, single submitter. Criteria: Invitae Variant Classification Sherloc (09022015). Collection method: clinical testing. Allele origin: germline.
Comment: This sequence change replaces arginine, which is basic and polar, with tryptophan, which is neutral and slightly polar, at codon 434 of the VAC14 protein (p.Arg434Trp). This variant is present in population databases (rs144772551, gnomAD 0.03%). This variant has not been reported in the literature in individuals affected with VAC14-related conditions. ClinVar contains an entry for this variant (Variation ID: 1379968). Algorithms developed to predict the effect of missense changes on protein structure and function are either unavailable or do not agree on the potential impact of this missense change (SIFT: "Deleterious"; PolyPhen-2: "Probably Damaging"; Align-GVGD: "Class C0"). In summary, the available evidence is currently insufficient to determine the role of this variant in disease. Therefore, it has been classified as a Variant of Uncertain Significance.

NM_018052.5(VAC14):c.1300C>T (p.Arg434Trp)

Genes: VAC14 (VAC14 component of PIKFYVE complex; minus strand), VAC14-AS1 (VAC14 antisense RNA 1; plus strand). Cytogenetic location: 16q22.1.
Variant type: single nucleotide variant.
Coding change: c.1300C>T on transcript NM_018052.5 (MANE Select); coding-DNA position 1300, C replaced by T.
Protein change: p.Arg434Trp; replaces arginine 434 with tryptophan.
Molecular consequence: missense variant.
Genome position (GRCh38, 1-based): chr16:70,762,886, G>A on the plus strand (C>T on the coding strand, the complement: VAC14 is on the minus strand). VCF-style: chr16-70762886-G-A. GRCh37 (hg19) VCF-style: chr16-70796789-G-A.
Other names: c.598C>T, p.Arg200Trp (NM_001351157.2); c.1300C>T (NM_018052.3); short protein forms R200W, R434W.
Identifiers: ClinVar variation 1379968 (VCV001379968.7), dbSNP rs144772551, ClinGen allele CA8147755.
Genomic context (GRCh38, chr16:70,762,886, plus strand): 5'-GAAAACCAAGGCGGACCCAGAAGAGGCCCCTGGCTTGGAGGGGCCCAGGGCTCACCTTCC[G>A]AGGAGTTTTGATGTAGAGGTGGTAGAGCCACTTGAGAACTGCAATCCTGGTCATCATCCC-3'
Protein context (NP_060522.3, residues 424-444): WLYHLYIKTP[Arg434Trp]KMFRHTDSLF